The following is an entry in ClinVar:

ClinVar aggregate classification (germline): Uncertain significance (1 of 4 stars; one submission).

Conditions:
Thyroid dyshormonogenesis 6 (TDH6). Also called: Genetic transient congenital hypothyroidism; THYROID HORMONOGENESIS, GENETIC DEFECT IN, 6; HYPOTHYROIDISM, CONGENITAL, DUE TO DYSHORMONOGENESIS, 6. Identifiers: Orphanet 226316, Orphanet 95716, MedGen C1846632, MONDO:0011792, OMIM 607200.

gnomAD v4.1: 10 of 1,614,172 alleles (0.00062%); highest among the groups gnomAD compares: East Asian, 0.022%; no homozygotes.

Submission:

Juno Genomics, Hangzhou Juno Genomics, Inc
Classification: Uncertain significance for Thyroid dyshormonogenesis 6. Review status: criteria provided, single submitter. Criteria: ACMG Guidelines, 2015. Collection method: clinical testing. Allele origin: germline.
Comment: Absent from controls (or at extremely low frequency if recessive) in Genome Aggregation Database.;Multiple lines of computational evidence support a deleterious effect on the gene or gene product.

NM_001363711.2(DUOX2):c.4318G>T (p.Asp1440Tyr)

Gene: DUOX2 (dual oxidase 2; minus strand). Cytogenetic location: 15q21.1.
Variant type: single nucleotide variant.
Coding change: c.4318G>T on transcript NM_001363711.2 (MANE Select); coding-DNA position 4318, G replaced by T.
Protein change: p.Asp1440Tyr; replaces aspartic acid 1440 with tyrosine.
Molecular consequence: missense variant.
Genome position (GRCh38, 1-based): chr15:45,095,013, C>A on the plus strand (G>T on the coding strand, the complement: DUOX2 is on the minus strand). VCF-style: chr15-45095013-C-A. GRCh37 (hg19) VCF-style: chr15-45387211-C-A.
Other names: c.4318G>T, p.Asp1440Tyr (NM_014080.5); short protein forms D1440Y.
Identifiers: ClinVar variation 5005412 (VCV005005412.2).